The following is an entry in ClinVar:

ClinVar aggregate classification (germline): Pathogenic (1 of 4 stars; one submission).

Conditions:
Developmental and epileptic encephalopathy 94 (DEE94). Also called: CHD2-Related Neurodevelopmental Disorders; Epileptic encephalopathy, childhood-onset. Identifiers: Orphanet 1942, Orphanet 2382, MedGen C3809278, MONDO:0014150, OMIM 615369.

Submission:

Institute of Human Genetics, FAU Erlangen, Friedrich-Alexander-Universität Erlangen-Nürnberg
Classification: Pathogenic for Developmental and epileptic encephalopathy 94. Last evaluated: 2025-05-27. Review status: criteria provided, single submitter. Criteria: Hauer et al. (Genet Med. 2018). Collection method: clinical testing. Allele origin: germline. Inheritance: Autosomal dominant inheritance. Affected: yes. Observed: 1 variant allele.
Comment: This variant has been identified by standard clinical testing. Selected ACMG criteria: Likely pathogenic (II):PP3;PM2;PM1;PS2

NM_001271.4(CHD2):c.2516G>C (p.Gly839Ala)

Gene: CHD2 (chromodomain helicase DNA binding protein 2; plus strand). Cytogenetic location: 15q26.1.
Variant type: single nucleotide variant.
Coding change: c.2516G>C on transcript NM_001271.4 (MANE Select); coding-DNA position 2516, G replaced by C.
Protein change: p.Gly839Ala; replaces glycine 839 with alanine.
Molecular consequence: missense variant.
Genome position (GRCh38, 1-based): chr15:92,974,889, G>C. VCF-style: chr15-92974889-G-C. GRCh37 (hg19) VCF-style: chr15-93518119-G-C.
Other names: short protein forms G839A.
Identifiers: ClinVar variation 3899960 (VCV003899960.1).